The following is an entry in ClinVar:

ClinVar aggregate classification (germline): Uncertain significance (1 of 4 stars; one submission).

Conditions:
Brugada syndrome. Also called: Sudden Unexplained Death Syndrome; Sudden Unexplained Nocturnal Death Syndrome (SUNDS); Sudden unexpected nocturnal death syndrome; Sudden unexplained nocturnal death syndrome. Identifiers: Orphanet 130, MedGen C1142166, MONDO:0015263.

gnomAD v4.1: 1 of 1,613,404 alleles (0.000062%); no homozygotes.

Submission:

Labcorp Genetics (formerly Invitae), Labcorp
Classification: Uncertain significance for Brugada syndrome. Last evaluated: 2021-07-28. Review status: criteria provided, single submitter. Criteria: Invitae Variant Classification Sherloc (09022015). Collection method: clinical testing. Allele origin: germline.
Comment: In summary, the available evidence is currently insufficient to determine the role of this variant in disease. Therefore, it has been classified as a Variant of Uncertain Significance. Advanced modeling of protein sequence and biophysical properties (such as structural, functional, and spatial information, amino acid conservation, physicochemical variation, residue mobility, and thermodynamic stability) performed at Invitae indicates that this missense variant is not expected to disrupt SCN10A protein function. This variant has not been reported in the literature in individuals affected with SCN10A-related conditions. This variant is not present in population databases (ExAC no frequency). This sequence change replaces leucine with proline at codon 516 of the SCN10A protein (p.Leu516Pro). The leucine residue is weakly conserved and there is a moderate physicochemical difference between leucine and proline.

NM_006514.4(SCN10A):c.1547T>C (p.Leu516Pro)

Gene: SCN10A (sodium voltage-gated channel alpha subunit 10; minus strand). Cytogenetic location: 3p22.2.
Variant type: single nucleotide variant.
Coding change: c.1547T>C on transcript NM_006514.4 (MANE Select); coding-DNA position 1547, T replaced by C.
Protein change: p.Leu516Pro; replaces leucine 516 with proline.
Molecular consequence: missense variant. On other transcripts: intron variant (1).
Genome position (GRCh38, 1-based): chr3:38,752,427, A>G on the plus strand (T>C on the coding strand, the complement: SCN10A is on the minus strand). VCF-style: chr3-38752427-A-G. GRCh37 (hg19) VCF-style: chr3-38793918-A-G.
Other names: c.1547T>C, p.Leu516Pro (NM_001293306.2); c.1462-2243T>C (NM_001293307.2); short protein forms L516P.
Identifiers: ClinVar variation 1469921 (VCV001469921.6), dbSNP rs2126023739, ClinGen allele CA352167589.
Genomic context (GRCh38, chr3:38,752,427, plus strand): 5'-GAGCCCCGATGGCTTTCGTGGTCTCCAGGAAAGACTCCATCATCTGTGACTCCCTCAGGG[A>G]GTGAGATATCTCGGCCAGGGGACCGGAAATGGAACACACTGCCATGACTAGCCCGGCGTT-3'
Protein context (NP_006505.4, residues 506-526): HFRSPGRDIS[Leu516Pro]PEGVTDDGVF